The following is an entry in ClinVar:

NM_144687.4(NLRP12):c.2195T>G (p.Leu732Arg)

Gene: NLRP12 (NLR family pyrin domain containing 12; minus strand). Cytogenetic location: 19q13.42.
Variant type: single nucleotide variant.
Coding change: c.2195T>G on transcript NM_144687.4 (MANE Select); coding-DNA position 2195, T replaced by G.
Protein change: p.Leu732Arg; replaces leucine 732 with arginine.
Molecular consequence: missense variant.
Genome position (GRCh38, 1-based): chr19:53,807,543, A>C on the plus strand (T>G on the coding strand, the complement: NLRP12 is on the minus strand). VCF-style: chr19-53807543-A-C. GRCh37 (hg19) VCF-style: chr19-54310797-A-C.
Other names: c.2198T>G, p.Leu733Arg (NM_001277126.2); c.2195T>G, p.Leu732Arg (NM_001277129.1); c.2195T>G (NM_144687.2); short protein forms L732R, L733R.
Identifiers: ClinVar variation 942466 (VCV000942466.10), dbSNP rs1341283051, ClinGen allele CA407411232.

ClinVar aggregate classification (germline): Uncertain significance. Review status: criteria provided, multiple submitters, no conflicts (2 of 4 stars). 2 submissions from 2 submitters: Uncertain significance (2). Last evaluated 2025-11-25.

Conditions:
Inborn genetic diseases. Identifiers: MedGen C0950123, MeSH D030342.
Familial cold autoinflammatory syndrome 2 (FCAS2). Identifiers: Orphanet 247868, MedGen C2673198, MONDO:0012724, OMIM 611762.

Allele frequency attached by ClinVar (database versions not stated): gnomAD 0.00001; gnomAD exomes 0.00001; TOPMed 0.00001.
gnomAD v4.1: 5 of 1,614,030 alleles (0.00031%); highest among the groups gnomAD compares: Admixed American, 0.0083%; no homozygotes.

Submissions (2):

Labcorp Genetics (formerly Invitae), Labcorp
Classification: Uncertain significance for Familial cold autoinflammatory syndrome 2. Last evaluated: 2025-11-25. Review status: criteria provided, single submitter. Criteria: Invitae Variant Classification Sherloc (09022015). Collection method: clinical testing. Allele origin: germline.
Comment: This sequence change replaces leucine, which is neutral and non-polar, with arginine, which is basic and polar, at codon 732 of the NLRP12 protein (p.Leu732Arg). This variant is present in population databases (no rsID available, gnomAD 0.01%). This variant has not been reported in the literature in individuals affected with NLRP12-related conditions. ClinVar contains an entry for this variant (Variation ID: 942466). An algorithm developed to predict the effect of missense changes on protein structure and function (PolyPhen-2) suggests that this variant is likely to be tolerated. In summary, the available evidence is currently insufficient to determine the role of this variant in disease. Therefore, it has been classified as a Variant of Uncertain Significance.

Ambry Genetics
Classification: Uncertain significance for Inborn genetic diseases. Last evaluated: 2021-09-17. Review status: criteria provided, single submitter. Criteria: Ambry Variant Classification Scheme 2023. Collection method: clinical testing. Allele origin: germline.